The following is an entry in ClinVar:

ClinVar aggregate classification (germline): Uncertain significance (1 of 4 stars; one submission).

Conditions:
Hereditary motor and sensory neuropathy, Okinawa type (HMSNO). Also called: HEREDITARY MOTOR AND SENSORY NEUROPATHY, PROXIMAL TYPE. Identifiers: Orphanet 90117, MedGen C1858338, MONDO:0011468, OMIM 604484.
Hereditary spastic paraplegia 57. Also called: Spastic paraplegia 57, autosomal recessive. Identifiers: Orphanet 431329, MedGen C3714897, MONDO:0014295, OMIM 615658.

Allele frequency attached by ClinVar (database versions not stated): TOPMed below 0.00001; gnomAD exomes 0.00001.
gnomAD v4.1: 16 of 1,613,986 alleles (0.00099%); highest among the groups gnomAD compares: African/African-American, 0.0013%; no homozygotes.

Submission:

Labcorp Genetics (formerly Invitae), Labcorp
Classification: Uncertain significance for Hereditary motor and sensory neuropathy, Okinawa type; Hereditary spastic paraplegia 57. Last evaluated: 2023-06-25. Review status: criteria provided, single submitter. Criteria: Invitae Variant Classification Sherloc (09022015). Collection method: clinical testing. Allele origin: germline.
Comment: This sequence change replaces glutamine, which is neutral and polar, with arginine, which is basic and polar, at codon 327 of the TFG protein (p.Gln327Arg). In summary, the available evidence is currently insufficient to determine the role of this variant in disease. Therefore, it has been classified as a Variant of Uncertain Significance. Advanced modeling of protein sequence and biophysical properties (such as structural, functional, and spatial information, amino acid conservation, physicochemical variation, residue mobility, and thermodynamic stability) performed at Invitae indicates that this missense variant is not expected to disrupt TFG protein function. ClinVar contains an entry for this variant (Variation ID: 466411). This variant has not been reported in the literature in individuals affected with TFG-related conditions. This variant is not present in population databases (gnomAD no frequency).

NM_006070.6(TFG):c.980A>G (p.Gln327Arg)

Gene: TFG (trafficking from ER to golgi regulator; plus strand). Cytogenetic location: 3q12.2.
Variant type: single nucleotide variant.
Coding change: c.980A>G on transcript NM_006070.6 (MANE Select); coding-DNA position 980, A replaced by G.
Protein change: p.Gln327Arg; replaces glutamine 327 with arginine.
Molecular consequence: missense variant.
Genome position (GRCh38, 1-based): chr3:100,748,308, A>G. VCF-style: chr3-100748308-A-G. GRCh37 (hg19) VCF-style: chr3-100467152-A-G.
Other names: c.980A>G, p.Gln327Arg (NM_001007565.2, NM_001195478.2); c.968A>G, p.Gln323Arg (NM_001195479.2); short protein forms Q327R, Q323R.
Identifiers: ClinVar variation 466411 (VCV000466411.10), dbSNP rs1431898500, ClinGen allele CA353853876.